The following is an entry in ClinVar:

ClinVar aggregate classification (germline): Likely pathogenic (1 of 4 stars; one submission).

Conditions:
Congenital hyperammonemia, type I. Also called: Carbamoyl phosphate synthetase I deficiency disease; CPS I DEFICIENCY; Carbamoyl phosphate synthetase 1 deficiency; Hyperammonemia due to carbamoyl phosphate synthetase 1 deficiency; CPS 1 deficiency; Carbamyl phosphate synthetase (CPS) deficiency. Identifiers: Orphanet 147, MedGen C4082171, MONDO:0009376, OMIM 237300.

Submission:

Natera, Inc.
Classification: Likely pathogenic for Carbamoyl-phosphate synthase I deficiency. Last evaluated: 2025-05-31. Review status: criteria provided, single submitter. Criteria: Natera Variant Classification Schema (03/2026). Collection method: clinical testing. Allele origin: germline.
Comment: The c.4327A>G variant in CPS1 is a missense variant predicted to cause substitution of threonine to alanine at amino acid 1443. This variant is rare in the general population with a frequency below the threshold expected for the associated phenotype(s). This variant has been observed in one or more individuals affected with the associated recessive disease, as either homozygous or compound heterozygous with a second variant (PMID: 16737834). This variant has been identified in one or more affected individuals with a phenotype highly consistent with the associated gene (PMID: 16737834). Computational prediction algorithms indicate this variant is likely to affect gene or protein function. Given the available evidence, this variant is classified as Likely Pathogenic.

Literature cited by the submitters: PubMed 16737834.

NM_001875.5(CPS1):c.4327A>G (p.Thr1443Ala)

Gene: CPS1 (carbamoyl-phosphate synthase 1; plus strand). Cytogenetic location: 2q34.
Variant type: single nucleotide variant.
Coding change: c.4327A>G on transcript NM_001875.5 (MANE Select); coding-DNA position 4327, A replaced by G.
Protein change: p.Thr1443Ala; replaces threonine 1443 with alanine.
Molecular consequence: missense variant. On other transcripts: non-coding transcript variant (2).
Genome position (GRCh38, 1-based): chr2:210,677,059, A>G. VCF-style: chr2-210677059-A-G. GRCh37 (hg19) VCF-style: chr2-211541783-A-G.
Other names: c.4327A>G, p.Thr1443Ala (NM_001122633.3, NM_001369257.1); c.4360A>G, p.Thr1454Ala (NM_001369256.1); short protein forms T1443A, T1454A.
Identifiers: ClinVar variation 4814966 (VCV004814966.1).